The following is an entry in ClinVar:

ClinVar aggregate classification (germline): Uncertain significance. Review status: criteria provided, multiple submitters, no conflicts (2 of 4 stars). 2 submissions from 2 submitters: Uncertain significance (2). Last evaluated 2026-03-25.

Conditions:
Pheochromocytoma. Also called: MAX-Related Hereditary Paraganglioma-Pheochromocytoma Syndrome. Identifiers: Orphanet 29072, MedGen C0031511, MONDO:0008233, OMIM 171300, HP:0002666.
Pheochromocytoma/paraganglioma syndrome 4. Also called: CAROTID BODY TUMORS AND MULTIPLE EXTRAADRENAL PHEOCHROMOCYTOMAS; PARAGANGLIOMA, FAMILIAL MALIGNANT; PARAGANGLIOMAS, HEREDITARY EXTRAADRENAL; PHEOCHROMOCYTOMA, FAMILIAL EXTRAADRENAL; Paragangliomas 4; SDHB-Related Hereditary Paraganglioma-Pheochromocytoma Syndrome (Paragangliomas 4). Identifiers: Orphanet 29072, MedGen C1861848, MONDO:0007273, OMIM 115310.
Gastrointestinal stromal tumor. Also called: Gastrointestinal stromal tumor, somatic; Gastrointestinal stroma tumor. Identifiers: Orphanet 44890, MedGen C0238198, MeSH D046152, MONDO:0011719, OMIM 606764, HP:0100723.
Hereditary cancer-predisposing syndrome. Also called: Hereditary Cancer Syndrome; Hereditary neoplastic syndrome; Neoplastic Syndromes, Hereditary; Tumor predisposition. Identifiers: Orphanet 140162, MedGen C0027672, MeSH D009386, MONDO:0015356.

Allele frequency attached by ClinVar (database versions not stated): gnomAD 0.00001.
gnomAD v4.1: 1 of 1,613,944 alleles (0.000062%); highest among the groups gnomAD compares: African/African-American, 0.0013%; no homozygotes.

Submissions (2):

Ambry Genetics
Classification: Uncertain significance for Hereditary cancer-predisposing syndrome. Last evaluated: 2026-03-25. Review status: criteria provided, single submitter. Criteria: Ambry Variant Classification Scheme 2023. Collection method: clinical testing. Allele origin: germline.
Comment: The p.Q59H variant (also known as c.177G>T), located in coding exon 2 of the SDHB gene, results from a G to T substitution at nucleotide position 177. The glutamine at codon 59 is replaced by histidine, an amino acid with highly similar properties. This amino acid position is highly conserved in available vertebrate species. In addition, this alteration is predicted to be deleterious by in silico analysis. Based on the available evidence, the clinical significance of this variant remains unclear.

Labcorp Genetics (formerly Invitae), Labcorp
Classification: Uncertain significance for Gastrointestinal stromal tumor; Pheochromocytoma/paraganglioma syndrome 4; Pheochromocytoma. Last evaluated: 2023-01-14. Review status: criteria provided, single submitter. Criteria: Invitae Variant Classification Sherloc (09022015). Collection method: clinical testing. Allele origin: germline.
Comment: In summary, the available evidence is currently insufficient to determine the role of this variant in disease. Therefore, it has been classified as a Variant of Uncertain Significance. Advanced modeling of protein sequence and biophysical properties (such as structural, functional, and spatial information, amino acid conservation, physicochemical variation, residue mobility, and thermodynamic stability) has been performed at Invitae for this missense variant, however the output from this modeling did not meet the statistical confidence thresholds required to predict the impact of this variant on SDHB protein function. This variant has not been reported in the literature in individuals affected with SDHB-related conditions. This variant is present in population databases (no rsID available, gnomAD 0.01%). This sequence change replaces glutamine, which is neutral and polar, with histidine, which is basic and polar, at codon 59 of the SDHB protein (p.Gln59His).

NM_003000.3(SDHB):c.177G>T (p.Gln59His)

Gene: SDHB (succinate dehydrogenase complex iron sulfur subunit B; minus strand). Cytogenetic location: 1p36.13.
Variant type: single nucleotide variant.
Coding change: c.177G>T on transcript NM_003000.3 (MANE Select); coding-DNA position 177, G replaced by T.
Protein change: p.Gln59His; replaces glutamine 59 with histidine.
Molecular consequence: missense variant.
Genome position (GRCh38, 1-based): chr1:17,044,784, C>A on the plus strand (G>T on the coding strand, the complement: SDHB is on the minus strand). VCF-style: chr1-17044784-C-A. GRCh37 (hg19) VCF-style: chr1-17371279-C-A.
Other names: c.177G>T, p.Gln59His (NM_001407361.1); short protein forms Q59H.
Identifiers: ClinVar variation 2562714 (VCV002562714.6), dbSNP rs1277374324, ClinGen allele CA338227781.